The following is an entry in ClinVar:

NM_001369.3(DNAH5):c.10552G>C (p.Val3518Leu)

Gene: DNAH5 (dynein axonemal heavy chain 5; minus strand). Cytogenetic location: 5p15.2.
Variant type: single nucleotide variant.
Coding change: c.10552G>C on transcript NM_001369.3 (MANE Select); coding-DNA position 10552, G replaced by C.
Protein change: p.Val3518Leu; replaces valine 3518 with leucine.
Molecular consequence: missense variant.
Genome position (GRCh38, 1-based): chr5:13,754,206, C>G on the plus strand (G>C on the coding strand, the complement: DNAH5 is on the minus strand). VCF-style: chr5-13754206-C-G. GRCh37 (hg19) VCF-style: chr5-13754315-C-G.
Other names: short protein forms V3518L.
Identifiers: ClinVar variation 1778263 (VCV001778263.5), dbSNP rs558861943, ClinGen allele CA3202199.

ClinVar aggregate classification (germline): Conflicting classifications of pathogenicity. Review status: criteria provided, conflicting classifications (1 of 4 stars). 2 submissions from 2 submitters: Uncertain significance (1); Likely benign (1). Last evaluated 2023-12-12.

Conditions:
Primary ciliary dyskinesia. Also called: Ciliary dyskinesia. Identifiers: Orphanet 244, MedGen C0008780, MONDO:0016575, HP:0012265.

Allele frequency attached by ClinVar (database versions not stated): ExAC 0.00001; gnomAD 0.00003; 1000 Genomes Project 0.00020; 1000 Genomes Project 30x 0.00031.
gnomAD v4.1: 10 of 1,614,056 alleles (0.00062%); highest among the groups gnomAD compares: African/African-American, 0.008%; no homozygotes.

Submissions (2):

Labcorp Genetics (formerly Invitae), Labcorp
Classification: Likely benign for Primary ciliary dyskinesia. Last evaluated: 2023-12-12. Review status: criteria provided, single submitter. Criteria: Invitae Variant Classification Sherloc (09022015). Collection method: clinical testing. Allele origin: germline.

Ambry Genetics
Classification: Uncertain significance for Primary ciliary dyskinesia. Last evaluated: 2016-03-28. Review status: criteria provided, single submitter. Criteria: Ambry Variant Classification Scheme 2023. Collection method: clinical testing. Allele origin: germline.
Comment: The p.V3518L variant (also known as c.10552G>C), located in coding exon 62 of the DNAH5 gene, results from a G to C substitution at nucleotide position 10552. The valine at codon 3518 is replaced by leucine, an amino acid with highly similar properties. This variant was not reported in population based cohorts in the following databases: Database of Single Nucleotide Polymorphisms (dbSNP), NHLBI Exome Sequencing Project (ESP), and 1000 Genomes Project. In the ESP, this variant was not observed in 6503 samples (13006 alleles) with coverage at this position. This amino acid position is highly conserved in available vertebrate species. In addition, the in silico prediction for this alteration is inconclusive. Since supporting evidence is limited at this time, the clinical significance of this variant remains unclear.